The following is an entry in ClinVar:

ClinVar aggregate classification (germline): Conflicting classifications of pathogenicity. Review status: criteria provided, conflicting classifications (1 of 4 stars). 2 submissions from 2 submitters: Uncertain significance (1); Likely benign (1). Last evaluated 2025-12-09.

Conditions:
Inborn genetic diseases. Identifiers: MedGen C0950123, MeSH D030342.

Allele frequency attached by ClinVar (database versions not stated): TOPMed below 0.00001; gnomAD 0.00001.
gnomAD v4.1: 35 of 1,612,358 alleles (0.0022%); highest among the groups gnomAD compares: Non-Finnish European, 0.003%; no homozygotes.

Submissions (2):

Ambry Genetics
Classification: Likely benign for Inborn genetic diseases. Last evaluated: 2025-12-09. Review status: criteria provided, single submitter. Criteria: Ambry Variant Classification Scheme 2023. Collection method: clinical testing. Allele origin: germline.

Labcorp Genetics (formerly Invitae), Labcorp
Classification: Uncertain significance. Last evaluated: 2025-12-08. Review status: criteria provided, single submitter. Criteria: Invitae Variant Classification Sherloc (09022015). Collection method: clinical testing. Allele origin: germline.
Comment: This sequence change affects codon 413 of the ADGRV1 mRNA. It is a 'silent' change, meaning that it does not change the encoded amino acid sequence of the ADGRV1 protein. It affects a nucleotide within the consensus splice site. This variant is not present in population databases (gnomAD no frequency). This variant has not been reported in the literature in individuals affected with ADGRV1-related conditions. ClinVar contains an entry for this variant (Variation ID: 1038897). Algorithms developed to predict the effect of sequence changes on RNA splicing suggest that this variant is not likely to affect RNA splicing. In summary, the available evidence is currently insufficient to determine the role of this variant in disease. Therefore, it has been classified as a Variant of Uncertain Significance.

NM_032119.4(ADGRV1):c.1239A>G (p.Arg413=)

Gene: ADGRV1 (adhesion G protein-coupled receptor V1; plus strand). Cytogenetic location: 5q14.3.
Variant type: single nucleotide variant.
Coding change: c.1239A>G on transcript NM_032119.4 (MANE Select); coding-DNA position 1239, A replaced by G.
Protein change: p.Arg413=; no amino-acid change (arginine 413 retained).
Molecular consequence: synonymous variant. On other transcripts: non-coding transcript variant (1).
Genome position (GRCh38, 1-based): chr5:90,628,562, A>G. VCF-style: chr5-90628562-A-G. GRCh37 (hg19) VCF-style: chr5-89924379-A-G.
Other names: c.1239A>G (NM_032119.3).
Identifiers: ClinVar variation 1038897 (VCV001038897.8), dbSNP rs770581166, ClinGen allele CA121826255.